The following is an entry in ClinVar:

NM_001374736.1(DST):c.4999A>G (p.Ile1667Val)

Gene: DST (dystonin; minus strand). Cytogenetic location: 6p12.1.
Variant type: single nucleotide variant.
Coding change: c.4999A>G on transcript NM_001374736.1 (MANE Select); coding-DNA position 4999, A replaced by G.
Protein change: p.Ile1667Val; replaces isoleucine 1667 with valine.
Molecular consequence: missense variant.
Genome position (GRCh38, 1-based): chr6:56,614,415, T>C on the plus strand (A>G on the coding strand, the complement: DST is on the minus strand). VCF-style: chr6-56614415-T-C. GRCh37 (hg19) VCF-style: chr6-56479213-T-C.
Other names: c.4900A>G, p.Ile1634Val (NM_001144769.5); c.4486A>G, p.Ile1496Val (NM_001144770.2); c.4999A>G, p.Ile1667Val (NM_001374722.1); c.4366A>G, p.Ile1456Val (NM_001374729.1, NM_001374730.1, NM_183380.4); c.5026A>G, p.Ile1676Val (NM_001374734.1); c.3388A>G, p.Ile1130Val (NM_015548.5); short protein forms I1130V, I1496V, I1456V, I1667V, I1676V, I1634V.
Identifiers: ClinVar variation 968544 (VCV000968544.5), dbSNP rs756231158, ClinGen allele CA3869839.

ClinVar aggregate classification (germline): Uncertain significance (1 of 4 stars; one submission).

Conditions:
Hereditary sensory and autonomic neuropathy type 6. Also called: Neuropathy, hereditary sensory and autonomic, type VI; HSAN VI. Identifiers: Orphanet 314381, MedGen C3539003, MONDO:0013839, OMIM 614653.
Epidermolysis bullosa simplex 3, localized or generalized intermediate, with BP230 deficiency (EBS3). Also called: Epidermolysis bullosa simplex, autosomal recessive 2; Epidermolysis bullosa simplex due to BP230 deficiency. Identifiers: Orphanet 412181, MedGen C3809470, MONDO:0014180, OMIM 615425.

Allele frequency attached by ClinVar (database versions not stated): gnomAD exomes 0.00002 and 0.00004; ExAC 0.00003; gnomAD 0.00003; TOPMed 0.00004.
gnomAD v4.1: 59 of 1,611,862 alleles (0.0037%); highest among the groups gnomAD compares: Non-Finnish European, 0.0041%; no homozygotes.

Submission:

Labcorp Genetics (formerly Invitae), Labcorp
Classification: Uncertain significance for Epidermolysis bullosa simplex 3, localized or generalized intermediate, with BP230 deficiency; Hereditary sensory and autonomic neuropathy type 6. Last evaluated: 2021-06-28. Review status: criteria provided, single submitter. Criteria: Invitae Variant Classification Sherloc (09022015). Collection method: clinical testing. Allele origin: germline.
Comment: This sequence change replaces isoleucine with valine at codon 1130 of the DST protein (p.Ile1130Val). The DST gene has multiple clinically relevant transcripts. This variant occurs in alternate transcript NM_15548.4, and corresponds to NM_001723.5:c.*1102A>G in the primary transcript. This variant is present in population databases (rs756231158, ExAC 0.006%). This variant has not been reported in the literature in individuals affected with DST-related conditions. Algorithms developed to predict the effect of missense changes on protein structure and function output the following: SIFT: "Not Available"; PolyPhen-2: "Not Available"; Align-GVGD: "Not Available". The valine amino acid residue is found in multiple mammalian species, which suggests that this missense change does not adversely affect protein function. In summary, the available evidence is currently insufficient to determine the role of this variant in disease. Therefore, it has been classified as a Variant of Uncertain Significance.